The following is an entry in ClinVar:

ClinVar aggregate classification (germline): Uncertain significance. Review status: criteria provided, multiple submitters, no conflicts (2 of 4 stars). 3 submissions from 3 submitters: Uncertain significance (3). Last evaluated 2023-11-20.

Conditions:
Geleophysic dysplasia 2 (GPHYSD2). Identifiers: Orphanet 2623, MedGen C3280054, MONDO:0013612, OMIM 614185.
Marfan syndrome (MFS). Also called: MARFAN SYNDROME, TYPE I; Marfan syndrome type 1; Marfan's syndrome; Marfan syndrome, classic; FBN1-Related Marfan Syndrome. Identifiers: Orphanet 284963, Orphanet 558, MedGen C0024796, MONDO:0007947, OMIM 154700.
Ectopia lentis 1, isolated, autosomal dominant (ECTOL1). Identifiers: Orphanet 1885, MedGen C3541518, MONDO:0007514, OMIM 129600.
Stiff skin syndrome (SSKS). Identifiers: Orphanet 2833, MedGen C1861456, MONDO:0008492, OMIM 184900.
Progeroid and marfanoid aspect-lipodystrophy syndrome. Also called: MARFANOID-PROGEROID-LIPODYSTROPHY SYNDROME; MARFANOID-PROGEROID SYNDROME; MARFAN-PROGEROID-LIPODYSTROPHY SYNDROME; Marfan lipodystrophy syndrome. Identifiers: Orphanet 300382, MedGen C4310796, MONDO:0014831, OMIM 616914.
MASS syndrome (OCTD). Also called: MASS PHENOTYPE; OVERLAP CONNECTIVE TISSUE DISEASE. Identifiers: MedGen C1858556, MONDO:0011431, OMIM 604308.
Weill-Marchesani syndrome 2, dominant. Also called: Weill-Marchesani Syndrome, Autosomal Dominant; FBN1-Related Weill-Marchesani Syndrome. Identifiers: Orphanet 2084, MedGen C1869115, MONDO:0012013, OMIM 608328.
Acromicric dysplasia (ACMICD). Also called: Acromicric skeletal dysplasia. Identifiers: Orphanet 969, MedGen C0265287, MONDO:0007055, OMIM 102370.
Familial thoracic aortic aneurysm and aortic dissection (TAAD). Also called: Thoracic aortic aneurysms and dissections. Identifiers: Orphanet 91387, MedGen C4707243, MONDO:0019625.

Allele frequency attached by ClinVar (database versions not stated): ExAC 0.00002; gnomAD exomes below 0.00001; TOPMed below 0.00001.
gnomAD v4.1: 8 of 1,607,926 alleles (0.0005%); highest among the groups gnomAD compares: Middle Eastern, 0.049%; no homozygotes.

Submissions (3):

All of Us Research Program, National Institutes of Health
Classification: Uncertain significance for Marfan syndrome. Last evaluated: 2023-11-20. Review status: criteria provided, single submitter. Criteria: ACMG Guidelines, 2015. Collection method: clinical testing. Allele origin: germline. Inheritance: Autosomal dominant inheritance. Observed: 1 variant allele, 1 heterozygote.
Comment: This missense variant replaces isoleucine with serine at codon 2158 of the FBN1 protein. Computational prediction suggests that this variant may not impact protein structure and function (internally defined REVEL score threshold <= 0.5, PMID: 27666373). To our knowledge, functional studies have not been reported for this variant. This variant has not been reported in individuals affected with FBN1-related disorders in the literature. This variant has been identified in 2/251054 chromosomes in the general population by the Genome Aggregation Database (gnomAD). The available evidence is insufficient to determine the role of this variant in disease conclusively. Therefore, this variant is classified as a Variant of Uncertain Significance.

This study involves interpretation of variants in research participants for the purpose of population health screening. Participant phenotype was not available at the time of variant classification. Additional details can be found in publication PMID: 35346344, PMCID: PMC8962531

Color Diagnostics, LLC DBA Color Health
Classification: Uncertain significance for Familial thoracic aortic aneurysm and aortic dissection. Last evaluated: 2023-10-23. Review status: criteria provided, single submitter. Criteria: ACMG Guidelines, 2015. Collection method: clinical testing. Allele origin: germline.
Comment: This missense variant replaces isoleucine with serine at codon 2158 of the FBN1 protein. Computational prediction suggests that this variant may not impact protein structure and function. To our knowledge, functional studies have not been reported for this variant. This variant has not been reported in individuals affected with FBN1-related disorders in the literature. This variant has been identified in 2/251054 chromosomes in the general population by the Genome Aggregation Database (gnomAD). The available evidence is insufficient to determine the role of this variant in disease conclusively. Therefore, this variant is classified as a Variant of Uncertain Significance.

Department of Pathology and Laboratory Medicine, Sinai Health System
Classification: Uncertain significance for Acromicric dysplasia; Ectopia lentis 1, isolated, autosomal dominant; Marfan syndrome; Stiff skin syndrome; MASS syndrome; Weill-Marchesani syndrome 2, dominant; Geleophysic dysplasia 2; Progeroid and marfanoid aspect-lipodystrophy syndrome. Last evaluated: 2021-07-30. Review status: criteria provided, single submitter. Criteria: ACMG Guidelines, 2015. Collection method: research. Allele origin: germline.

NM_000138.5(FBN1):c.6473T>G (p.Ile2158Ser)

Gene: FBN1 (fibrillin 1; minus strand). Cytogenetic location: 15q21.1.
Variant type: single nucleotide variant.
Coding change: c.6473T>G on transcript NM_000138.5 (MANE Select); coding-DNA position 6473, T replaced by G.
Protein change: p.Ile2158Ser; replaces isoleucine 2158 with serine.
Molecular consequence: missense variant.
Genome position (GRCh38, 1-based): chr15:48,436,984, A>C on the plus strand (T>G on the coding strand, the complement: FBN1 is on the minus strand). VCF-style: chr15-48436984-A-C. GRCh37 (hg19) VCF-style: chr15-48729181-A-C.
Other names: c.6473T>G, p.Ile2158Ser (NM_001406716.1); short protein forms I2158S.
Identifiers: ClinVar variation 3074559 (VCV003074559.3), dbSNP rs751560904, ClinGen allele CA056834.
Genomic context (GRCh38, chr15:48,436,984, plus strand): 5'-TTTGTAAAGTTCCTATGGAAGAAAACTTATTACTCACCTACACATTCATTCCCTGCTAGA[A>C]TATAACCAAAGGGACACTCGCAGCGATAGGAACCATCTGTATTGATGCACTGTCCATGTT-3'
Protein context (NP_000129.3, residues 2148-2168): SYRCECPFGY[Ile2158Ser]LAGNECVDTD